The following is an entry in ClinVar:

NM_020686.6(ABAT):c.*990G>C

Gene: ABAT (4-aminobutyrate aminotransferase; plus strand). Cytogenetic location: 16p13.2.
Variant type: single nucleotide variant.
Coding change: c.*990G>C on transcript NM_020686.6 (MANE Select); 990 bases downstream of the stop codon, G replaced by C.
Molecular consequence: 3 prime UTR variant.
Genome position (GRCh38, 1-based): chr16:8,782,420, G>C. VCF-style: chr16-8782420-G-C. GRCh37 (hg19) VCF-style: chr16-8876277-G-C.
Other names: c.*990G>C (NM_000663.5, NM_001127448.2, NM_001386600.1 and 14 more transcripts); c.*1004G>C (NM_001386609.1, NM_001386616.1).
Identifiers: ClinVar variation 321109 (VCV000321109.6), dbSNP rs4985000, ClinGen allele CA10638529.

ClinVar aggregate classification (germline): Benign. Review status: criteria provided, multiple submitters, no conflicts (2 of 4 stars). 2 submissions from 2 submitters: Benign (2). Last evaluated 2018-01-13.

Conditions:
Gamma-aminobutyric acid transaminase deficiency (GABATD). Also called: GABA aminotransaminase deficiency; GABA transaminase deficiency; Gamma aminobutyrate transaminase deficiency; 4 alpha aminobutyrate transaminase deficiency. Identifiers: Orphanet 2066, MedGen C0342708, MONDO:0013166, OMIM 613163.

Allele frequency attached by ClinVar (database versions not stated): 1000 Genomes Project 30x 0.60244; 1000 Genomes Project 0.60643; TOPMed 0.61520; gnomAD 0.62259 and 0.62271; gnomAD exomes 0.75610.
gnomAD v4.1: 94,846 of 152,150 alleles (62%); highest among the groups gnomAD compares: Middle Eastern, 72%; 29,790 homozygotes.

Submissions (2):

Illumina Laboratory Services, Illumina
Classification: Benign for Gamma-aminobutyric acid transaminase deficiency. Last evaluated: 2018-01-13. Review status: criteria provided, single submitter. Criteria: ICSL Variant Classification Criteria 13 December 2019. Collection method: clinical testing. Allele origin: germline.
Comment: This variant was observed in the ICSL laboratory as part of a predisposition screen in an ostensibly healthy population. It had not been previously curated by ICSL or reported in the Human Gene Mutation Database (HGMD: prior to June 1st, 2018), and was therefore a candidate for classification through an automated scoring system. Utilizing variant allele frequency, disease prevalence and penetrance estimates, and inheritance mode, an automated score was calculated to assess if this variant is too frequent to cause the disease. Based on the score and internal cut-off values, a variant classified as benign is not then subjected to further curation. The score for this variant resulted in a classification of benign for this disease.

Breakthrough Genomics
Classification: Benign. Review status: criteria provided, single submitter. Criteria: ACMG Guidelines, 2015. Collection method: not provided. Allele origin: germline. Inheritance: Autosomal recessive inheritance. Affected: yes.